The following is an entry in ClinVar:

NM_001355436.2(SPTB):c.4974-2A>G

Gene: SPTB (spectrin beta, erythrocytic; minus strand). Cytogenetic location: 14q23.3.
Variant type: single nucleotide variant.
Coding change: c.4974-2A>G on transcript NM_001355436.2 (MANE Select); the canonical splice acceptor site of the intron before coding-DNA position 4974, A replaced by G.
Molecular consequence: splice acceptor variant.
Genome position (GRCh38, 1-based): chr14:64,773,426, T>C on the plus strand (A>G on the coding strand, the complement: SPTB is on the minus strand). VCF-style: chr14-64773426-T-C. GRCh37 (hg19) VCF-style: chr14-65240144-T-C.
Other names: c.4974-2A>G (NM_001024858.4, NM_001355437.2).
Identifiers: ClinVar variation 2750331 (VCV002750331.3), dbSNP rs2503061513, ClinGen allele CA390042707.

ClinVar aggregate classification (germline): Likely pathogenic (1 of 4 stars; one submission).

Submission:

Labcorp Genetics (formerly Invitae), Labcorp
Classification: Likely pathogenic. Last evaluated: 2023-11-15. Review status: criteria provided, single submitter. Criteria: Invitae Variant Classification Sherloc (09022015). Collection method: clinical testing. Allele origin: germline.
Comment: This sequence change affects an acceptor splice site in intron 23 of the SPTB gene. It is expected to disrupt RNA splicing. Variants that disrupt the donor or acceptor splice site typically lead to a loss of protein function (PMID: 16199547), and loss-of-function variants in SPTB are known to be pathogenic (PMID: 1391962, 1498324, 8844207, 26830532, 27292444). This variant is not present in population databases (gnomAD no frequency). This variant has not been reported in the literature in individuals affected with SPTB-related conditions. Algorithms developed to predict the effect of sequence changes on RNA splicing suggest that this variant may disrupt the consensus splice site. In summary, the currently available evidence indicates that the variant is pathogenic, but additional data are needed to prove that conclusively. Therefore, this variant has been classified as Likely Pathogenic.

Literature cited by the submitters: PubMed 16199547; PubMed 1391962; PubMed 1498324; PubMed 8844207; PubMed 26830532; PubMed 27292444.